The following is an entry in ClinVar:

ClinVar aggregate classification (germline): Uncertain significance. Review status: criteria provided, multiple submitters, no conflicts (2 of 4 stars). 2 submissions from 2 submitters: Uncertain significance (2). Last evaluated 2026-01-12.

gnomAD v4.1: 85 of 1,614,094 alleles (0.0053%); highest among the groups gnomAD compares: South Asian, 0.015%; no homozygotes.

Submissions (2):

Labcorp Genetics (formerly Invitae), Labcorp
Classification: Uncertain significance. Last evaluated: 2026-01-12. Review status: criteria provided, single submitter. Criteria: Invitae Variant Classification Sherloc (09022015). Collection method: clinical testing. Allele origin: germline.
Comment: This sequence change replaces arginine, which is basic and polar, with glutamine, which is neutral and polar, at codon 1003 of the NIN protein (p.Arg1003Gln). This variant is present in population databases (rs146902294, gnomAD 0.02%). This variant has not been reported in the literature in individuals affected with NIN-related conditions. ClinVar contains an entry for this variant (Variation ID: 3879608). An algorithm developed to predict the effect of missense changes on protein structure and function outputs the following: PolyPhen-2: "Benign". The glutamine amino acid residue is found in multiple mammalian species, which suggests that this missense change does not adversely affect protein function. In summary, the available evidence is currently insufficient to determine the role of this variant in disease. Therefore, it has been classified as a Variant of Uncertain Significance.

Ambry Genetics
Classification: Uncertain significance. Last evaluated: 2024-12-28. Review status: criteria provided, single submitter. Criteria: Ambry Variant Classification Scheme 2023. Collection method: clinical testing. Allele origin: germline.

NM_020921.4(NIN):c.3008G>A (p.Arg1003Gln)

Gene: NIN (ninein; minus strand). Cytogenetic location: 14q22.1.
Variant type: single nucleotide variant.
Coding change: c.3008G>A on transcript NM_020921.4 (MANE Select); coding-DNA position 3008, G replaced by A.
Protein change: p.Arg1003Gln; replaces arginine 1003 with glutamine.
Molecular consequence: missense variant. On other transcripts: intron variant (1).
Genome position (GRCh38, 1-based): chr14:50,758,022, C>T on the plus strand (G>A on the coding strand, the complement: NIN is on the minus strand). VCF-style: chr14-50758022-C-T. GRCh37 (hg19) VCF-style: chr14-51224740-C-T.
Other names: c.3008G>A, p.Arg1003Gln (NM_182944.3, NM_182946.2); c.2399+1835G>A (NM_016350.5); short protein forms R1003Q.
Identifiers: ClinVar variation 3879608 (VCV003879608.2).